The following is an entry in ClinVar:

ClinVar aggregate classification (germline): Likely pathogenic. Review status: criteria provided, single submitter (1 of 4 stars). 3 submissions from 2 submitters: Likely pathogenic (1). 2 of the submissions do not count toward it. Last evaluated 2022-06-28.

Conditions:
Isolated cerebellar hypoplasia/agenesis (CHEGDD). Also called: Cerebellar hypoplasia/atrophy, epilepsy, and global developmental delay. Identifiers: Orphanet 1398, Orphanet 2246, MedGen C5231391, MONDO:0008939, OMIM 213000.
Muscular dystrophy. Identifiers: Orphanet 98473, MedGen C0026850, MeSH D009136, MONDO:0020121, HP:0003560.
Diabetes mellitus. Also called: Diabetes mellitus (disease). Identifiers: MedGen C0011849, MONDO:0005015, HP:0000819.
Cerebellar ataxia. Identifiers: Orphanet 102002, MedGen C0007758, MONDO:0000437.

Allele frequency attached by ClinVar (database versions not stated): gnomAD exomes below 0.00001.
gnomAD v4.1: 6 of 1,613,752 alleles (0.00037%); highest among the groups gnomAD compares: Non-Finnish European, 0.00051%; no homozygotes.

Submissions (3):

GeneDx
Classification: Likely pathogenic. Last evaluated: 2022-06-28. Review status: criteria provided, single submitter. Criteria: GeneDx Variant Classification Process June 2021. Collection method: clinical testing. Allele origin: germline. Affected: yes.
Comment: In silico analysis supports that this missense variant has a deleterious effect on protein structure/function; Not observed at significant frequency in large population cohorts (gnomAD); This variant is associated with the following publications: (PMID: 11058895, 32581362, 16009061, 10527672, 11156536)

NIHR Bioresource Rare Diseases, University of Cambridge
Classification: Likely pathogenic for Diabetes mellitus; Ataxia; Cerebellar hypoplasia; Muscular dystrophy. Review status: no assertion criteria provided. Collection method: research. Allele origin: unknown. Affected: yes. Observed: 1 variant allele. Not counted in ClinVar's aggregate classification.

NIHR Bioresource Rare Diseases, University of Cambridge
Classification: Likely pathogenic for Ataxia. Review status: no assertion criteria provided. Collection method: research. Allele origin: unknown. Affected: yes. Observed: 1 variant allele. Not counted in ClinVar's aggregate classification.

Literature cited by the submitters: PubMed 32581362 (cited by NIHR Bioresource Rare Diseases, University of Cambridge).

NM_000303.3(PMM2):c.584A>G (p.His195Arg)

Gene: PMM2 (phosphomannomutase 2; plus strand). Cytogenetic location: 16p13.2.
Variant type: single nucleotide variant.
Coding change: c.584A>G on transcript NM_000303.3 (MANE Select); coding-DNA position 584, A replaced by G.
Protein change: p.His195Arg; replaces histidine 195 with arginine.
Molecular consequence: missense variant.
Genome position (GRCh38, 1-based): chr16:8,813,051, A>G. VCF-style: chr16-8813051-A-G. GRCh37 (hg19) VCF-style: chr16-8906908-A-G.
Other names: short protein forms H195R.
Identifiers: ClinVar variation 812999 (VCV000812999.3), dbSNP rs1596489887, ClinGen allele CA394697897.
Genomic context (GRCh38, chr16:8,813,051, plus strand): 5'-GAGGCCAGATCAGCTTTGATGTCTTTCCTGATGGATGGGACAAGAGATACTGTCTGCGAC[A>G]TGTGGAAAATGACGGTTATAAGACCATTTATTTCTTTGGAGACAAAACTATGCCAGTAAG-3'
Protein context (NP_000294.1, residues 185-205): DGWDKRYCLR[His195Arg]VENDGYKTIY